The following is an entry in ClinVar:

ClinVar aggregate classification (germline): Likely benign. Review status: criteria provided, multiple submitters, no conflicts (2 of 4 stars). 2 submissions from 2 submitters: Likely benign (2). Last evaluated 2026-01-27.

Conditions:
2-aminoadipic 2-oxoadipic aciduria (AAKAD). Also called: Aminoadipic aciduria; ALPHA-AMINOADIPIC AND ALPHA-KETOADIPIC ACIDURIA. Identifiers: Orphanet 79154, MedGen C1859817, MONDO:0008774, OMIM 204750.

Allele frequency attached by ClinVar (database versions not stated): ExAC 0.00002; gnomAD 0.00003 and 0.00004; gnomAD exomes 0.00004; TOPMed 0.00004.
gnomAD v4.1: 67 of 1,613,876 alleles (0.0042%); highest among the groups gnomAD compares: South Asian, 0.0077%; no homozygotes.

Submissions (2):

Labcorp Genetics (formerly Invitae), Labcorp
Classification: Likely benign for 2-aminoadipic 2-oxoadipic aciduria. Last evaluated: 2026-01-27. Review status: criteria provided, single submitter. Criteria: Invitae Variant Classification Sherloc (09022015). Collection method: clinical testing. Allele origin: germline.

CeGaT Center for Human Genetics Tuebingen
Classification: Likely benign. Last evaluated: 2023-03-01. Review status: criteria provided, single submitter. Criteria: CeGaT Center For Human Genetics Tuebingen Variant Classification Criteria Version 2. Collection method: clinical testing. Allele origin: germline. Affected: yes. Observed: 1 variant allele.
Comment: DHTKD1: BP4, BP7

NM_018706.7(DHTKD1):c.627G>A (p.Ser209=)

Gene: DHTKD1 (dehydrogenase E1 and transketolase domain containing 1; plus strand). Cytogenetic location: 10p14.
Variant type: single nucleotide variant.
Coding change: c.627G>A on transcript NM_018706.7 (MANE Select); coding-DNA position 627, G replaced by A.
Protein change: p.Ser209=; no amino-acid change (serine 209 retained).
Molecular consequence: synonymous variant.
Genome position (GRCh38, 1-based): chr10:12,087,639, G>A. VCF-style: chr10-12087639-G-A. GRCh37 (hg19) VCF-style: chr10-12129638-G-A.
Identifiers: ClinVar variation 1570380 (VCV001570380.36), dbSNP rs745332525, ClinGen allele CA5407593.